The following is an entry in ClinVar:

NM_198428.3(BBS9):c.1198+9T>C

Gene: BBS9 (Bardet-Biedl syndrome 9; plus strand). Cytogenetic location: 7p14.3.
Variant type: single nucleotide variant.
Coding change: c.1198+9T>C on transcript NM_198428.3 (MANE Select); 9 bases into the intron after coding-DNA position 1198, T replaced by C.
Molecular consequence: intron variant.
Genome position (GRCh38, 1-based): chr7:33,336,631, T>C. VCF-style: chr7-33336631-T-C. GRCh37 (hg19) VCF-style: chr7-33376243-T-C.
Other names: c.1198+9T>C (NM_198428.2, NM_001348036.1, NM_001362679.1 and 6 more transcripts); c.925+9T>C (NM_001348038.3, NM_001348039.3); c.832+9T>C (NM_001348037.3, NM_001348045.3, NM_001348046.3 and 1 more transcripts); c.1063+9T>C (NM_001348042.3).
Identifiers: ClinVar variation 1979130 (VCV001979130.5), dbSNP rs766588885, ClinGen allele CA4214206.
Genomic context (GRCh38, chr7:33,336,631, plus strand): 5'-GTAGAAATGAAAGAACTTCAGAAAATCATCAAAGATGTTAACAAATCACAAGGTATCTCA[T>C]TTGCAGCTTTTTATTATTTTAGTATTCATTATGAAATTCATATTATCTTGTAGATAGATA-3'

ClinVar aggregate classification (germline): Likely benign. Review status: criteria provided, single submitter (1 of 4 stars). 2 submissions from 2 submitters: Likely benign (1). 1 of the submissions does not count toward it. Last evaluated 2025-04-24.

Conditions:
Bardet-Biedl syndrome (BBS). Identifiers: Orphanet 110, MedGen C0752166, MONDO:0015229.
BBS9-related disorder. Also called: BBS9-related condition.

Allele frequency attached by ClinVar (database versions not stated): gnomAD exomes below 0.00001; ExAC 0.00001; gnomAD 0.00001.
gnomAD v4.1: 3 of 1,563,978 alleles (0.00019%); highest among the groups gnomAD compares: Non-Finnish European, 0.00018%; no homozygotes.

Submissions (2):

Labcorp Genetics (formerly Invitae), Labcorp
Classification: Likely benign for Bardet-Biedl syndrome. Last evaluated: 2025-04-24. Review status: criteria provided, single submitter. Criteria: Invitae Variant Classification Sherloc (09022015). Collection method: clinical testing. Allele origin: germline.

PreventionGenetics, part of Exact Sciences
Classification: Likely benign for BBS9-related condition. Last evaluated: 2024-09-25. Review status: no assertion criteria provided. Collection method: clinical testing. Allele origin: germline. Not counted in ClinVar's aggregate classification.
Comment: This variant is classified as likely benign based on ACMG/AMP sequence variant interpretation guidelines (Richards et al. 2015 PMID: 25741868, with internal and published modifications).